The following is an entry in ClinVar:

ClinVar aggregate classification (germline): Uncertain significance (1 of 4 stars; one submission).

Conditions:
Short-rib thoracic dysplasia 13 with or without polydactyly (SRTD13). Identifiers: Orphanet 474, MedGen C4225378, MONDO:0014577, OMIM 616300.

Allele frequency attached by ClinVar (database versions not stated): TOPMed below 0.00001.

Submission:

Baylor Genetics
Classification: Uncertain significance for Short-rib thoracic dysplasia 13 with or without polydactyly. Last evaluated: 2019-07-30. Review status: criteria provided, single submitter. Criteria: ACMG Guidelines, 2015. Collection method: clinical testing. Allele origin: unknown. Affected: yes.
Comment: This variant was determined to be of uncertain significance according to ACMG Guidelines, 2015 [PMID:25741868].

NM_001375405.1(CEP120):c.2740G>A (p.Glu914Lys)

Gene: CEP120 (centrosomal protein 120; minus strand). Cytogenetic location: 5q23.2.
Variant type: single nucleotide variant.
Coding change: c.2740G>A on transcript NM_001375405.1 (MANE Select); coding-DNA position 2740, G replaced by A.
Protein change: p.Glu914Lys; replaces glutamic acid 914 with lysine.
Molecular consequence: missense variant. On other transcripts: 3 prime UTR variant (1), non-coding transcript variant (1).
Genome position (GRCh38, 1-based): chr5:123,346,740, C>T on the plus strand (G>A on the coding strand, the complement: CEP120 is on the minus strand). VCF-style: chr5-123346740-C-T. GRCh37 (hg19) VCF-style: chr5-122682434-C-T.
Other names: c.2662G>A, p.Glu888Lys (NM_001166226.2); c.2605G>A, p.Glu869Lys (NM_001375406.1); c.*9G>A (NM_001375407.1); c.2167G>A, p.Glu723Lys (NM_001375408.1, NM_001375409.1); c.2740G>A, p.Glu914Lys (NM_153223.4); short protein forms E723K, E914K, E869K, E888K.
Identifiers: ClinVar variation 1027809 (VCV001027809.1), dbSNP rs1768853529, ClinGen allele CA360894298.
Genomic context (GRCh38, chr5:123,346,740, plus strand): 5'-CATGGGGGCCATCCTTTTTTCCACTTGCAATCTCTGTGGAATCCTGGTATTGTTTTTGCT[C>T]TTGTTGCCTTAACCTGAGAAGTCAAGAACAAATGCCACTGTAGCAACTGTGTTGGTTTTC-3'
Protein context (NP_001362334.1, residues 904-924): RNELNRLRQQ[Glu914Lys]QKQYQDSTEI